The following is an entry in ClinVar:

NM_001556.3(IKBKB):c.2260C>T (p.Gln754Ter)

Gene: IKBKB (inhibitor of nuclear factor kappa B kinase subunit beta; plus strand). Cytogenetic location: 8p11.21.
Variant type: single nucleotide variant.
Coding change: c.2260C>T on transcript NM_001556.3 (MANE Select); coding-DNA position 2260, C replaced by T.
Protein change: p.Gln754Ter; replaces glutamine 754 with a stop codon.
Molecular consequence: nonsense. On other transcripts: non-coding transcript variant (3).
Genome position (GRCh38, 1-based): chr8:42,330,968, C>T. VCF-style: chr8-42330968-C-T. GRCh37 (hg19) VCF-style: chr8-42188486-C-T.
Other names: c.2068C>T, p.Gln690Ter (NM_001190720.3); c.2083C>T, p.Gln695Ter (NM_001242778.2); short protein forms Q695*, Q690*, Q754*.
Identifiers: ClinVar variation 2743112 (VCV002743112.3), dbSNP rs2487823921, ClinGen allele CA371095281.

ClinVar aggregate classification (germline): Uncertain significance (1 of 4 stars; one submission).

Conditions:
Severe combined immunodeficiency due to IKK2 deficiency. Also called: Immunodeficiency 15; IMMUNODEFICIENCY 15B. Identifiers: Orphanet 397787, MedGen C4747743, MONDO:0014267, OMIM 615592.

Submission:

Labcorp Genetics (formerly Invitae), Labcorp
Classification: Uncertain significance for Severe combined immunodeficiency due to IKK2 deficiency. Last evaluated: 2023-07-13. Review status: criteria provided, single submitter. Criteria: Invitae Variant Classification Sherloc (09022015). Collection method: clinical testing. Allele origin: germline.
Comment: This variant has not been reported in the literature in individuals affected with IKBKB-related conditions. This variant is not present in population databases (gnomAD no frequency). This sequence change creates a premature translational stop signal (p.Gln754*) in the IKBKB gene. While this is not anticipated to result in nonsense mediated decay, it is expected to disrupt the last 3 amino acid(s) of the IKBKB protein. Experimental studies and prediction algorithms are not available or were not evaluated, and the functional significance of this variant is currently unknown. In summary, the available evidence is currently insufficient to determine the role of this variant in disease. Therefore, it has been classified as a Variant of Uncertain Significance.